The following is an entry in ClinVar:

ClinVar aggregate classification (germline): Uncertain significance (1 of 4 stars; one submission).

Allele frequency attached by ClinVar (database versions not stated): gnomAD exomes below 0.00001.

Submission:

Labcorp Genetics (formerly Invitae), Labcorp
Classification: Uncertain significance. Last evaluated: 2023-02-16. Review status: criteria provided, single submitter. Criteria: Invitae Variant Classification Sherloc (09022015). Collection method: clinical testing. Allele origin: germline.
Comment: This sequence change replaces methionine, which is neutral and non-polar, with threonine, which is neutral and polar, at codon 1331 of the SETBP1 protein (p.Met1331Thr). This variant is not present in population databases (gnomAD no frequency). This variant has not been reported in the literature in individuals affected with SETBP1-related conditions. Advanced modeling of protein sequence and biophysical properties (such as structural, functional, and spatial information, amino acid conservation, physicochemical variation, residue mobility, and thermodynamic stability) performed at Invitae indicates that this missense variant is not expected to disrupt SETBP1 protein function. In summary, the available evidence is currently insufficient to determine the role of this variant in disease. Therefore, it has been classified as a Variant of Uncertain Significance.

NM_015559.3(SETBP1):c.3992T>C (p.Met1331Thr)

Gene: SETBP1 (SET binding protein 1; plus strand). Cytogenetic location: 18q12.3.
Variant type: single nucleotide variant.
Coding change: c.3992T>C on transcript NM_015559.3 (MANE Select); coding-DNA position 3992, T replaced by C.
Protein change: p.Met1331Thr; replaces methionine 1331 with threonine.
Molecular consequence: missense variant.
Genome position (GRCh38, 1-based): chr18:44,953,332, T>C. VCF-style: chr18-44953332-T-C. GRCh37 (hg19) VCF-style: chr18-42533297-T-C.
Other names: c.3992T>C, p.Met1331Thr (NM_001379141.1, NM_001379142.1, NM_001410862.1); short protein forms M1331T.
Identifiers: ClinVar variation 2837965 (VCV002837965.3), dbSNP rs2511478083, ClinGen allele CA402325642.